The following is an entry in ClinVar:

NM_003119.4(SPG7):c.132G>T (p.Met44Ile)

Genes: SPG7 (SPG7 matrix AAA peptidase subunit, paraplegin; plus strand), LOC130059818 (ATAC-STARR-seq lymphoblastoid silent region 7911; plus strand). Cytogenetic location: 16q24.3.
Variant type: single nucleotide variant.
Coding change: c.132G>T on transcript NM_003119.4 (MANE Select); coding-DNA position 132, G replaced by T.
Protein change: p.Met44Ile; replaces methionine 44 with isoleucine.
Molecular consequence: missense variant.
Genome position (GRCh38, 1-based): chr16:89,508,549, G>T. VCF-style: chr16-89508549-G-T. GRCh37 (hg19) VCF-style: chr16-89574957-G-T.
Other names: c.132G>T, p.Met44Ile (NM_001363850.1, NM_199367.3); c.132G>T (NM_003119.2); short protein forms M44I.
Identifiers: ClinVar variation 2096050 (VCV002096050.5), dbSNP rs2543662288, ClinGen allele CA397416052.

ClinVar aggregate classification (germline): Uncertain significance. Review status: criteria provided, multiple submitters, no conflicts (2 of 4 stars). 2 submissions from 2 submitters: Uncertain significance (2). Last evaluated 2025-08-09.

Conditions:
Hereditary spastic paraplegia 7 (SPG7). Also called: Spastic paraplegia 7; Hereditary spastic paraplegia Paraplegin type; SPG7-related neurologic disorder; SPASTIC PARAPLEGIA 7, AUTOSOMAL RECESSIVE, WITH OR WITHOUT CEREBELLAR ATAXIA; Autosomal recessive spastic paraplegia type 7. Identifiers: Orphanet 99013, MedGen C1846564, MONDO:0011803, OMIM 607259.
Inborn genetic diseases. Identifiers: MedGen C0950123, MeSH D030342.

Submissions (2):

Ambry Genetics
Classification: Uncertain significance for Inborn genetic diseases. Last evaluated: 2025-08-09. Review status: criteria provided, single submitter. Criteria: Ambry Variant Classification Scheme 2023. Collection method: clinical testing. Allele origin: germline.

Labcorp Genetics (formerly Invitae), Labcorp
Classification: Uncertain significance for Hereditary spastic paraplegia 7. Last evaluated: 2022-07-25. Review status: criteria provided, single submitter. Criteria: Invitae Variant Classification Sherloc (09022015). Collection method: clinical testing. Allele origin: germline.
Comment: Advanced modeling of protein sequence and biophysical properties (such as structural, functional, and spatial information, amino acid conservation, physicochemical variation, residue mobility, and thermodynamic stability) performed at Invitae indicates that this missense variant is not expected to disrupt SPG7 protein function. In summary, the available evidence is currently insufficient to determine the role of this variant in disease. Therefore, it has been classified as a Variant of Uncertain Significance. This variant has not been reported in the literature in individuals affected with SPG7-related conditions. This sequence change replaces methionine, which is neutral and non-polar, with isoleucine, which is neutral and non-polar, at codon 44 of the SPG7 protein (p.Met44Ile). This variant is not present in population databases (gnomAD no frequency).